The following is an entry in ClinVar:

NM_000540.3(RYR1):c.8367C>T (p.Pro2789=)

Genes: RYR1 (ryanodine receptor 1; plus strand), LOC126862902 (BRD4-independent group 4 enhancer GRCh37_chr19:38995830-38997029; plus strand). Cytogenetic location: 19q13.2.
Variant type: single nucleotide variant.
Coding change: c.8367C>T on transcript NM_000540.3 (MANE Select); coding-DNA position 8367, C replaced by T.
Protein change: p.Pro2789=; no amino-acid change (proline 2789 retained).
Molecular consequence: synonymous variant.
Genome position (GRCh38, 1-based): chr19:38,505,365, C>T. VCF-style: chr19-38505365-C-T. GRCh37 (hg19) VCF-style: chr19-38996005-C-T.
Other names: p.Pro2789=; c.8367C>T, p.Pro2789= (NM_001042723.2).
Identifiers: ClinVar variation 705181 (VCV000705181.9), dbSNP rs1227205965, ClinGen allele CA507244465.

ClinVar aggregate classification (germline): Likely benign. Review status: criteria provided, multiple submitters, no conflicts (2 of 4 stars). 2 submissions from 2 submitters: Likely benign (2). Last evaluated 2025-05-02.

Conditions:
RYR1-related disorder. Also called: RYR1-related condition; RYR1-related disorders. Identifiers: MedGen CN239331.

Allele frequency attached by ClinVar (database versions not stated): TOPMed below 0.00001; gnomAD exomes 0.00001 and 0.00003.
gnomAD v4.1: 14 of 1,612,220 alleles (0.00087%); highest among the groups gnomAD compares: East Asian, 0.016%; no homozygotes.

Submissions (2):

Mayo Clinic Laboratories, Mayo Clinic
Classification: Likely benign. Last evaluated: 2025-05-02. Review status: criteria provided, single submitter. Criteria: ACMG Guidelines, 2015. Collection method: clinical testing. Allele origin: germline. Observed: 1 variant allele.
Comment: BP4, BP7

Labcorp Genetics (formerly Invitae), Labcorp
Classification: Likely benign for RYR1-related disorder. Last evaluated: 2025-02-24. Review status: criteria provided, single submitter. Criteria: Invitae Variant Classification Sherloc (09022015). Collection method: clinical testing. Allele origin: germline.